The following is an entry in ClinVar:

ClinVar aggregate classification (germline): Pathogenic (1 of 4 stars; one submission).

Submission:

Labcorp Genetics (formerly Invitae), Labcorp
Classification: Pathogenic. Last evaluated: 2024-02-03. Review status: criteria provided, single submitter. Criteria: Invitae Variant Classification Sherloc (09022015). Collection method: clinical testing. Allele origin: germline.
Comment: This sequence change creates a premature translational stop signal (p.Tyr1249*) in the DUOX2 gene. It is expected to result in an absent or disrupted protein product. Loss-of-function variants in DUOX2 are known to be pathogenic (PMID: 12110737, 18765513, 21565790, 24423310, 24735383). This variant is not present in population databases (gnomAD no frequency). This variant has not been reported in the literature in individuals affected with DUOX2-related conditions. For these reasons, this variant has been classified as Pathogenic.

Literature cited by the submitters: PubMed 12110737; PubMed 18765513; PubMed 21565790; PubMed 24423310; PubMed 24735383.

NM_001363711.2(DUOX2):c.3747C>A (p.Tyr1249Ter)

Gene: DUOX2 (dual oxidase 2; minus strand). Cytogenetic location: 15q21.1.
Variant type: single nucleotide variant.
Coding change: c.3747C>A on transcript NM_001363711.2 (MANE Select); coding-DNA position 3747, C replaced by A.
Protein change: p.Tyr1249Ter; replaces tyrosine 1249 with a stop codon.
Molecular consequence: nonsense.
Genome position (GRCh38, 1-based): chr15:45,097,338, G>T on the plus strand (C>A on the coding strand, the complement: DUOX2 is on the minus strand). VCF-style: chr15-45097338-G-T. GRCh37 (hg19) VCF-style: chr15-45389536-G-T.
Other names: c.3747C>A, p.Tyr1249Ter (NM_014080.5); short protein forms Y1249*.
Identifiers: ClinVar variation 3638658 (VCV003638658.2).
Genomic context (GRCh38, chr15:45,097,338, plus strand): 5'-CTTCTTCCGGCTCAGGCTCACCAGCTTGTCACCTCCATAGATGATTGCCGGGACCAGGAA[G>T]TAGATGTGGAAAGTGGGCAGCTGGATCAGAGCATAGCTGCCATGGATGATGAGCTGGAGA-3'